The following is an entry in ClinVar:

NM_014112.5(TRPS1):c.3875C>G (p.Pro1292Arg)

Gene: TRPS1 (transcriptional repressor GATA binding 1; minus strand). Cytogenetic location: 8q23.3.
Variant type: single nucleotide variant.
Coding change: c.3875C>G on transcript NM_014112.5 (MANE Select); coding-DNA position 3875, C replaced by G.
Protein change: p.Pro1292Arg; replaces proline 1292 with arginine.
Molecular consequence: missense variant.
Genome position (GRCh38, 1-based): chr8:115,414,033, G>C on the plus strand (C>G on the coding strand, the complement: TRPS1 is on the minus strand). VCF-style: chr8-115414033-G-C. GRCh37 (hg19) VCF-style: chr8-116426261-G-C.
Other names: c.3848C>G, p.Pro1283Arg (NM_001282902.3); c.3854C>G, p.Pro1285Arg (NM_001282903.3); c.3836C>G, p.Pro1279Arg (NM_001330599.2); short protein forms P1285R, P1292R, P1279R, P1283R.
Identifiers: ClinVar variation 4792790 (VCV004792790.1).
Genomic context (GRCh38, chr8:115,414,033, plus strand): 5'-TTCCCATCAAGAAAACCTATTTCTATTTAATTGTGCTAAGTGCTAAGGTTTTACTCTTTA[G>C]GTTTTCCATTTTTTTCCACTTGTGCATTGTTCCTATGCAGGCCCCTCTGGATATGTGTTG-3'
Protein context (NP_054831.2, residues 1282-1294): NNAQVEKNGK[Pro1292Arg]KE

ClinVar aggregate classification (germline): Uncertain significance (1 of 4 stars; one submission).

Conditions:
Trichorhinophalangeal dysplasia type I (TRPS1). Also called: TRICHORHINOPHALANGEAL SYNDROME, TYPE I; TRPS I. Identifiers: Orphanet 77258, MedGen C0432233, MONDO:0008596, OMIM 190350.
Trichorhinophalangeal syndrome, type III (TRPS3). Also called: SUGIO-KAJII SYNDROME. Identifiers: Orphanet 77258, MedGen C1860823, OMIM 190351, MONDO:0008597.

gnomAD v4.1: 11 of 1,613,522 alleles (0.00068%); highest among the groups gnomAD compares: Non-Finnish European, 0.00093%; no homozygotes.

Submission:

Labcorp Genetics (formerly Invitae), Labcorp
Classification: Uncertain significance for Trichorhinophalangeal syndrome, type III; Trichorhinophalangeal dysplasia type I. Last evaluated: 2025-07-03. Review status: criteria provided, single submitter. Criteria: Invitae Variant Classification Sherloc (09022015). Collection method: clinical testing. Allele origin: germline.
Comment: This sequence change replaces proline, which is neutral and non-polar, with arginine, which is basic and polar, at codon 1292 of the TRPS1 protein (p.Pro1292Arg). This variant is not present in population databases (gnomAD no frequency). This variant has not been reported in the literature in individuals affected with TRPS1-related conditions. Invitae Evidence Modeling of protein sequence and biophysical properties (such as structural, functional, and spatial information, amino acid conservation, physicochemical variation, residue mobility, and thermodynamic stability) indicates that this missense variant is not expected to disrupt TRPS1 protein function with a negative predictive value of 80%. In summary, the available evidence is currently insufficient to determine the role of this variant in disease. Therefore, it has been classified as a Variant of Uncertain Significance.